The following is an entry in ClinVar:

NM_080680.3(COL11A2):c.1962del (p.Thr656fs)

Gene: COL11A2 (collagen type XI alpha 2 chain; minus strand). Cytogenetic location: 6p21.32.
Variant type: Deletion.
Coding change: c.1962del on transcript NM_080680.3 (MANE Select); coding-DNA position 1962, one base deleted (T; older notation c.1962delT).
Protein change: p.Thr656fs; shifts the reading frame from threonine 656.
Molecular consequence: frameshift variant.
Genome position (GRCh38, 1-based): chr6:33,177,421, A deleted on the plus strand (T on the coding strand, the reverse complement: COL11A2 is on the minus strand). VCF-style (leftmost placement, unchanged base first): chr6-33177420-CA-C. GRCh37 (hg19) VCF-style: chr6-33145197-CA-C.
Other names: c.1641del, p.Thr549fs (NM_080679.3); c.1704del, p.Thr570fs (NM_080681.3); short protein forms T570fs, T656fs, T549fs.
Identifiers: ClinVar variation 2022530 (VCV002022530.4), dbSNP rs2535144155, ClinGen allele CA2580074354.

ClinVar aggregate classification (germline): Pathogenic (1 of 4 stars; one submission).

Submission:

Labcorp Genetics (formerly Invitae), Labcorp
Classification: Pathogenic. Last evaluated: 2022-08-08. Review status: criteria provided, single submitter. Criteria: Invitae Variant Classification Sherloc (09022015). Collection method: clinical testing. Allele origin: germline.
Comment: For these reasons, this variant has been classified as Pathogenic. This sequence change creates a premature translational stop signal (p.Thr656Profs*59) in the COL11A2 gene. It is expected to result in an absent or disrupted protein product. Loss-of-function variants in COL11A2 are known to be pathogenic (PMID: 10677296, 21204229). This variant is not present in population databases (gnomAD no frequency). This variant has not been reported in the literature in individuals affected with COL11A2-related conditions.

Literature cited by the submitters: PubMed 10677296; PubMed 21204229.